The following is an entry in ClinVar:

ClinVar aggregate classification (germline): Pathogenic. Review status: criteria provided, single submitter (1 of 4 stars). 2 submissions from 2 submitters: Pathogenic (1). 1 of the submissions does not count toward it. Last evaluated 2023-05-21.

Conditions:
Intellectual disability-facial dysmorphism syndrome due to SETD5 haploinsufficiency (MRD23). Also called: Intellectual developmental disorder, autosomal dominant 23. Identifiers: Orphanet 404440, MedGen C3810406, MONDO:0014336, OMIM 615761.

Submissions (2):

GeneDx
Classification: Pathogenic. Last evaluated: 2023-05-21. Review status: criteria provided, single submitter. Criteria: GeneDx Variant Classification Process June 2021. Collection method: clinical testing. Allele origin: germline. Affected: yes.
Comment: Canonical splice site variant expected to result in aberrant splicing, although in the absence of functional evidence the actual effect of this sequence change is unknown.; Not observed at significant frequency in large population cohorts (gnomAD); Has not been previously published as pathogenic or benign to our knowledge

Clinical Genomics Laboratory, Stanford Medicine
Classification: Likely pathogenic for Intellectual disability-facial dysmorphism syndrome due to SETD5 haploinsufficiency. Last evaluated: 2019-10-30. Review status: no assertion criteria provided. Collection method: clinical testing. Allele origin: germline. Inheritance: Autosomal dominant inheritance. Affected: yes. Not counted in ClinVar's aggregate classification.
Comment: This variant was absent from large population databases, including the Genome Aggregation Database. The c.1441-2A>G variant alters the canonical acceptor splice site in intron 12, which is predicted to result in abnormal gene splicing. Heterozygous loss of function is an established mechanism of disease for the SETD5 gene. These data were assessed using the ACMG/AMP variant interpretation guidelines. In summary, there is sufficient evidence to classify the c.1441- 2A>G variant as likely pathogenic for autosomal dominant SETD5-associated neurodevelopmental disorder based on the information above. [ACMG evidence codes used: PVS1_Strong; PM2; PS2_Supporting]

NM_001080517.3(SETD5):c.1441-2A>G

Gene: SETD5 (SET domain containing 5; plus strand). Cytogenetic location: 3p25.3.
Variant type: single nucleotide variant.
Coding change: c.1441-2A>G on transcript NM_001080517.3 (MANE Select); the canonical splice acceptor site of the intron before coding-DNA position 1441, A replaced by G.
Molecular consequence: splice acceptor variant.
Genome position (GRCh38, 1-based): chr3:9,445,655, A>G. VCF-style: chr3-9445655-A-G. GRCh37 (hg19) VCF-style: chr3-9487339-A-G.
Other names: c.1147-2A>G (NM_001349451.2, NM_001292043.2).
Identifiers: ClinVar variation 976477 (VCV000976477.2), dbSNP rs2041850053, ClinGen allele CA351693931.